The following is an entry in ClinVar:

ClinVar aggregate classification (germline): Likely pathogenic (1 of 4 stars; one submission).

Conditions:
TCOF1-related disorder. Also called: TCOF1-related condition.

Submission:

PreventionGenetics, part of Exact Sciences
Classification: Likely pathogenic for TCOF1-related condition. Last evaluated: 2023-04-26. Review status: criteria provided, single submitter. Criteria: ACMG Guidelines, 2015. Collection method: clinical testing. Allele origin: germline.
Comment: The TCOF1 c.2306C>A variant is predicted to result in premature protein termination (p.Ser769*). To our knowledge, this variant has not been reported in the literature or in a large population database, indicating this variant is rare. Nonsense variants in TCOF1 are expected to be pathogenic. This variant is interpreted as likely pathogenic.

NM_001371623.1(TCOF1):c.2306C>A (p.Ser769Ter)

Gene: TCOF1 (treacle ribosome biogenesis factor 1; plus strand). Cytogenetic location: 5q32.
Variant type: single nucleotide variant.
Coding change: c.2306C>A on transcript NM_001371623.1 (MANE Select); coding-DNA position 2306, C replaced by A.
Protein change: p.Ser769Ter; replaces serine 769 with a stop codon.
Molecular consequence: nonsense.
Genome position (GRCh38, 1-based): chr5:150,376,586, C>A. VCF-style: chr5-150376586-C-A. GRCh37 (hg19) VCF-style: chr5-149756149-C-A.
Other names: c.2075C>A, p.Ser692Ter (NM_000356.4, NM_001135245.2); c.2306C>A, p.Ser769Ter (NM_001008657.3, NM_001135243.2, NM_001135244.2 and 1 more transcripts); short protein forms S692*, S769*.
Identifiers: ClinVar variation 2632975 (VCV002632975.1), dbSNP rs1205557903, ClinGen allele CA361755625.